The following is an entry in ClinVar:

ClinVar aggregate classification (germline): Uncertain significance (1 of 4 stars; one submission).

Conditions:
Familial adenomatous polyposis 1 (FAP1). Also called: FAMILIAL ADENOMATOUS POLYPOSIS 1, ATTENUATED; POLYPOSIS, ADENOMATOUS INTESTINAL. Identifiers: MedGen C2713442, MONDO:0021056, OMIM 175100. Disease mechanism: loss of function.

Allele frequency attached by ClinVar (database versions not stated): TOPMed 0.00001.

Submission:

Labcorp Genetics (formerly Invitae), Labcorp
Classification: Uncertain significance for Familial adenomatous polyposis 1. Last evaluated: 2025-08-21. Review status: criteria provided, single submitter. Criteria: Invitae Variant Classification Sherloc (09022015). Collection method: clinical testing. Allele origin: germline.
Comment: This variant occurs in a non-coding region of the APC gene. It does not change the encoded amino acid sequence of the APC protein. This variant is not present in population databases (gnomAD no frequency). This variant has not been reported in the literature in individuals affected with APC-related conditions. ClinVar contains an entry for this variant (Variation ID: 651017). Experimental studies and prediction algorithms are not available or were not evaluated, and the functional significance of this variant is currently unknown. In summary, the available evidence is currently insufficient to determine the role of this variant in disease. Therefore, it has been classified as a Variant of Uncertain Significance.

NC_000005.10:g.112707455A>C

Gene: APC (APC regulator of Wnt signaling pathway; plus strand). Cytogenetic location: 5q22.2.
Variant type: single nucleotide variant.
Genome position: GRCh38 VCF-style: chr5-112707455-A-C. GRCh37 (hg19) VCF-style: chr5-112043152-A-C.
Identifiers: ClinVar variation 651017 (VCV000651017.9), dbSNP rs956500063, ClinGen allele CA802056930.
Genomic context (GRCh38, chr5:112,707,455, plus strand): 5'-GCGAAGCAGTGCCCGGCAAGCGGAGCGCAGCACCCATTGCGCCTGCGCATAACAGGCTCT[A>C]GTCTCCGGGCTGTGGGAAGCCAGCAACACCTCTCACGCATGCGCATTGTAGTCTTCCCAC-3'